The following is an entry in ClinVar:

NM_000128.4(F11):c.1106A>C (p.Tyr369Ser)

Gene: F11 (coagulation factor XI; plus strand). Cytogenetic location: 4q35.2.
Variant type: single nucleotide variant.
Coding change: c.1106A>C on transcript NM_000128.4 (MANE Select); coding-DNA position 1106, A replaced by C.
Protein change: p.Tyr369Ser; replaces tyrosine 369 with serine.
Molecular consequence: missense variant.
Genome position (GRCh38, 1-based): chr4:186,280,551, A>C. VCF-style: chr4-186280551-A-C. GRCh37 (hg19) VCF-style: chr4-187201705-A-C.
Other names: short protein forms Y369S.
Identifiers: ClinVar variation 2577223 (VCV002577223.1), dbSNP rs1580090672, ClinGen allele CA358938959.

ClinVar aggregate classification (germline): Uncertain significance (1 of 4 stars; one submission).

Allele frequency attached by ClinVar (database versions not stated): gnomAD exomes below 0.00001.
gnomAD v4.1: 1 of 1,614,106 alleles (0.000062%); highest among the groups gnomAD compares: South Asian, 0.0011%; no homozygotes.

Submission:

Women's Health and Genetics/Laboratory Corporation of America, LabCorp
Classification: Uncertain significance. Last evaluated: 2023-07-18. Review status: criteria provided, single submitter. Criteria: LabCorp Variant Classification Summary - May 2015. Collection method: clinical testing. Allele origin: germline.
Comment: Variant summary: F11 c.1106A>C (p.Tyr369Ser) results in a non-conservative amino acid change located in the fourth Apple domain (IPR000177) of the encoded protein sequence. Four of five in-silico tools predict a damaging effect of the variant on protein function. The variant was absent in 251352 control chromosomes (gnomAD). c.1106A>C has been reported in the literature in at least one homozygous individual affected with Hereditary factor XI deficiency disease (e.g., Jayandharan_2005). These data indicate that the variant may be associated with disease. To our knowledge, no experimental evidence demonstrating an impact on protein function has been reported. The following publication was ascertained in the context of this evaluation (PMID: 15842381). No submitters have reported clinical-significance assessments for this variant to ClinVar after 2014. Based on the evidence outlined above, the variant was classified as VUS-possibly pathogenic.

Literature cited by the submitters: PubMed 15842381.